The following is an entry in ClinVar:

ClinVar aggregate classification (germline): Likely benign. Review status: criteria provided, single submitter (1 of 4 stars). 2 submissions from 2 submitters: Likely benign (1). 1 of the submissions does not count toward it. Last evaluated 2025-11-06.

Conditions:
BLK-related disorder. Also called: BLK-related condition.

Allele frequency attached by ClinVar (database versions not stated): TOPMed 0.00005; ExAC 0.00015; gnomAD exomes 0.00002; gnomAD 0.00001.

Submissions (2):

Labcorp Genetics (formerly Invitae), Labcorp
Classification: Likely benign. Last evaluated: 2025-11-06. Review status: criteria provided, single submitter. Criteria: Invitae Variant Classification Sherloc (09022015). Collection method: clinical testing. Allele origin: germline.

PreventionGenetics, part of Exact Sciences
Classification: Likely benign for BLK-related condition. Last evaluated: 2019-05-02. Review status: no assertion criteria provided. Collection method: clinical testing. Allele origin: germline. Not counted in ClinVar's aggregate classification.
Comment: This variant is classified as likely benign based on ACMG/AMP sequence variant interpretation guidelines (Richards et al. 2015 PMID: 25741868, with internal and published modifications).

NM_001715.3(BLK):c.1464G>A (p.Ser488=)

Gene: BLK (BLK proto-oncogene, Src family tyrosine kinase). Cytogenetic location: 8p23.1.
Variant type: single nucleotide variant.
Coding change: c.1464G>A on transcript NM_001715.3 (MANE Select); coding-DNA position 1464, G replaced by A.
Protein change: p.Ser488=; no amino-acid change (serine 488 retained).
Molecular consequence: synonymous variant.
Genome position (GRCh38, 1-based): chr8:11,564,054, G>A. VCF-style: chr8-11564054-G-A. GRCh37 (hg19) VCF-style: chr8-11421563-G-A.
Other names: c.1251G>A, p.Ser417= (NM_001330465.2).
Identifiers: ClinVar variation 3037816 (VCV003037816.4), dbSNP rs755315801, ClinGen allele CA4630529.